The following is an entry in ClinVar:

ClinVar aggregate classification (germline): Uncertain significance (1 of 4 stars; one submission).

Conditions:
CHARGE syndrome (CHARGE). Also called: Hittner Hirsch Kreh syndrome; CHARGE ASSOCIATION--COLOBOMA, HEART ANOMALY, CHOANAL ATRESIA, RETARDATION, GENITAL AND EAR ANOMALIES; Coloboma, heart anomaly, choanal atresia, retardation, genital and ear anomalies; CHARGE association; Hall-Hittner syndrome. Identifiers: Orphanet 138, MedGen C0265354, MONDO:0008965.

gnomAD v4.1: 6 of 1,612,904 alleles (0.00037%); highest among the groups gnomAD compares: Non-Finnish European, 0.00051%; no homozygotes.

Submission:

Labcorp Genetics (formerly Invitae), Labcorp
Classification: Uncertain significance for CHARGE syndrome. Last evaluated: 2025-06-04. Review status: criteria provided, single submitter. Criteria: Invitae Variant Classification Sherloc (09022015). Collection method: clinical testing. Allele origin: germline.
Comment: This sequence change affects codon 315 of the SEMA3E mRNA. It is a 'silent' change, meaning that it does not change the encoded amino acid sequence of the SEMA3E protein. This variant is present in population databases (rs764004282, gnomAD 0.0009%). This variant has not been reported in the literature in individuals affected with SEMA3E-related conditions. Algorithms developed to predict the effect of sequence changes on RNA splicing suggest that this variant may disrupt the consensus splice site. In summary, the available evidence is currently insufficient to determine the role of this variant in disease. Therefore, it has been classified as a Variant of Uncertain Significance.

NM_012431.3(SEMA3E):c.945A>C (p.Leu315=)

Gene: SEMA3E (semaphorin 3E; minus strand). Cytogenetic location: 7q21.11.
Variant type: single nucleotide variant.
Coding change: c.945A>C on transcript NM_012431.3 (MANE Select); coding-DNA position 945, A replaced by C.
Protein change: p.Leu315=; no amino-acid change (leucine 315 retained).
Molecular consequence: synonymous variant.
Genome position (GRCh38, 1-based): chr7:83,405,503, T>G on the plus strand (A>C on the coding strand, the complement: SEMA3E is on the minus strand). VCF-style: chr7-83405503-T-G. GRCh37 (hg19) VCF-style: chr7-83034819-T-G.
Other names: c.765A>C, p.Leu255= (NM_001178129.2).
Identifiers: ClinVar variation 4705659 (VCV004705659.1).